The following is an entry in ClinVar:

ClinVar aggregate classification (germline): Uncertain significance (1 of 4 stars; one submission).

Conditions:
CEP290-related disorder. Also called: CEP290-related disorders; CEP290-related condition. Identifiers: MedGen CN239314.
Joubert syndrome. Also called: CEREBELLOPARENCHYMAL DISORDER IV; JOUBERT-BOLTSHAUSER SYNDROME; Familial aplasia of the vermis. Identifiers: Orphanet 475, MedGen C5979921, MONDO:0018772.
Nephronophthisis. Also called: Juvenile Nephronophthisis. Identifiers: Orphanet 655, MedGen C0687120, MONDO:0019005, HP:0000090.
Meckel-Gruber syndrome. Also called: DYSENCEPHALIA SPLANCHNOCYSTICA; GRUBER SYNDROME; Dysencephalia splachnocystica. Identifiers: Orphanet 564, MedGen C0265215, MONDO:0018921.

Submission:

Labcorp Genetics (formerly Invitae), Labcorp
Classification: Uncertain significance for Joubert syndrome; Meckel-Gruber syndrome; Nephronophthisis. Last evaluated: 2022-02-03. Review status: criteria provided, single submitter. Criteria: Invitae Variant Classification Sherloc (09022015). Collection method: clinical testing. Allele origin: germline.
Comment: In summary, the available evidence is currently insufficient to determine the role of this variant in disease. Therefore, it has been classified as a Variant of Uncertain Significance. Algorithms developed to predict the effect of missense changes on protein structure and function (SIFT, PolyPhen-2, Align-GVGD) all suggest that this variant is likely to be tolerated. This variant has not been reported in the literature in individuals affected with CEP290-related conditions. This variant is not present in population databases (gnomAD no frequency). This sequence change replaces glutamic acid, which is acidic and polar, with lysine, which is basic and polar, at codon 2283 of the CEP290 protein (p.Glu2283Lys).

NM_025114.4(CEP290):c.6847G>A (p.Glu2283Lys)

Gene: CEP290 (centrosomal protein 290; minus strand). Cytogenetic location: 12q21.32.
Variant type: single nucleotide variant.
Coding change: c.6847G>A on transcript NM_025114.4 (MANE Select); coding-DNA position 6847, G replaced by A.
Protein change: p.Glu2283Lys; replaces glutamic acid 2283 with lysine.
Molecular consequence: missense variant.
Genome position (GRCh38, 1-based): chr12:88,055,689, C>T on the plus strand (G>A on the coding strand, the complement: CEP290 is on the minus strand). VCF-style: chr12-88055689-C-T. GRCh37 (hg19) VCF-style: chr12-88449466-C-T.
Other names: c.6847G>A (NM_025114.3); short protein forms E2283K.
Identifiers: ClinVar variation 1385520 (VCV001385520.10), dbSNP rs2136656424, ClinGen allele CA385976632.